The following is an entry in ClinVar:

NM_001113378.2(FANCI):c.1849T>C (p.Ser617Pro)

Gene: FANCI (FA complementation group I; plus strand). Cytogenetic location: 15q26.1.
Variant type: single nucleotide variant.
Coding change: c.1849T>C on transcript NM_001113378.2 (MANE Select); coding-DNA position 1849, T replaced by C.
Protein change: p.Ser617Pro; replaces serine 617 with proline.
Molecular consequence: missense variant.
Genome position (GRCh38, 1-based): chr15:89,290,240, T>C. VCF-style: chr15-89290240-T-C. GRCh37 (hg19) VCF-style: chr15-89833471-T-C.
Other names: c.1570T>C, p.Ser524Pro (NM_001376910.1); c.1849T>C, p.Ser617Pro (NM_001376911.1, NM_018193.3); short protein forms S617P, S524P.
Identifiers: ClinVar variation 885699 (VCV000885699.4), dbSNP rs780031757, ClinGen allele CA7723179.

ClinVar aggregate classification (germline): Uncertain significance (1 of 4 stars; one submission).

Conditions:
Fanconi anemia complementation group I (FANCI). Also called: FANCI-Related Fanconi Anemia. Identifiers: Orphanet 84, MedGen C1836861, MONDO:0012186, OMIM 609053.

Allele frequency attached by ClinVar (database versions not stated): gnomAD exomes below 0.00001; ExAC 0.00001.
gnomAD v4.1: 2 of 1,614,010 alleles (0.00012%); highest among the groups gnomAD compares: Admixed American, 0.0017%; no homozygotes.

Submission:

Illumina Laboratory Services, Illumina
Classification: Uncertain significance for Fanconi anemia complementation group I. Last evaluated: 2017-04-28. Review status: criteria provided, single submitter. Criteria: ICSL Variant Classification Criteria 13 December 2019. Collection method: clinical testing. Allele origin: germline.
Comment: This variant was observed as part of a predisposition screen in an ostensibly healthy population. A literature search was performed for the gene, cDNA change, and amino acid change (where applicable). Publications were found based on this search. However, the evidence from the literature, in combination with allele frequency data from public databases where available, was not sufficient to rule this variant in or out of causing disease. Therefore, this variant is classified as a variant of unknown significance.

Literature cited by the submitters: PubMed 18931676.